The following is an entry in ClinVar:

NC_000008.10:g.(10474098_10480102)_(10480731_10512407)del

Gene: RP1L1 (RP1 like 1). Cytogenetic location: 8p23.1.
Variant type: Deletion.
Identifiers: ClinVar variation 3339332 (VCV003339332.1).

ClinVar aggregate classification (germline): Uncertain significance (1 of 4 stars; one submission).

Submission:

Women's Health and Genetics/Laboratory Corporation of America, LabCorp
Classification: Uncertain significance. Last evaluated: 2024-07-25. Review status: criteria provided, single submitter. Criteria: LabCorp Variant Classification Summary - May 2015. Collection method: clinical testing. Allele origin: germline.
Comment: Variant summary: The variant involves the deletion of exon 2 in the RP1L1 gene. A presumed nomenclature of c.(-20+1_-19-1)_(609+1_610-1)del has been designated for the purposes of this classification. The exact breakpoint at the 5' end of this variant is unknown, therefore this deletion may extend upstream of the annotated region of this gene. Although the exact breakpoints of this deletion are not known, it is predicted to remove the initiation codon and result in an absence of protein or a truncation of the encoded protein due to translation initiation at a downstream site. Current evidence is not sufficient to establish loss of function as a mechanism for disease. The variant allele was found at a frequency of 5.9e-05 in 119612 control chromosomes in the gnomAD database (Structural Variants v4.1 dataset). The available data on variant occurrences in the general population are insufficient to allow any conclusion about variant significance. To our knowledge, no occurrence of c.(-20+1_-19-1)_(609+1_610-1)del in individuals affected with RP1L1-Related Disorders and no experimental evidence demonstrating its impact on protein function have been reported. ClinVar contains an entry for this variant (Variation ID: 3245617). Based on the evidence outlined above, the variant was classified as uncertain significance.